The following is an entry in ClinVar:

ClinVar aggregate classification (germline): Likely benign (1 of 4 stars; one submission).

Allele frequency attached by ClinVar (database versions not stated): 1000 Genomes Project 0.00100; 1000 Genomes Project 30x 0.00109; gnomAD 0.00151; ESP Exome Variant Server 0.00187.

Submission:

CeGaT Center for Human Genetics Tuebingen
Classification: Likely benign. Last evaluated: 2022-11-01. Review status: criteria provided, single submitter. Criteria: CeGaT Center For Human Genetics Tuebingen Variant Classification Criteria Version 2. Collection method: clinical testing. Allele origin: germline. Affected: yes. Observed: 1 variant allele.
Comment: TPSB2: BP4, BS2

NM_024164.6(TPSB2):c.716C>T (p.Ala239Val)

Gene: TPSB2 (tryptase beta 2; minus strand). Cytogenetic location: 16p13.3.
Variant type: single nucleotide variant.
Coding change: c.716C>T on transcript NM_024164.6 (MANE Select); coding-DNA position 716, C replaced by T.
Protein change: p.Ala239Val; replaces alanine 239 with valine.
Molecular consequence: missense variant.
Genome position (GRCh38, 1-based): chr16:1,228,762, G>A on the plus strand (C>T on the coding strand, the complement: TPSB2 is on the minus strand). VCF-style: chr16-1228762-G-A. GRCh37 (hg19) VCF-style: chr16-1278762-G-A.
Other names: short protein forms A239V.
Identifiers: ClinVar variation 2645884 (VCV002645884.24), dbSNP rs377518279, ClinGen allele CA7803270.